The following is an entry in ClinVar:

NM_025132.4(WDR19):c.43G>A (p.Ala15Thr)

Gene: WDR19 (WD repeat domain 19; plus strand). Cytogenetic location: 4p14.
Variant type: single nucleotide variant.
Coding change: c.43G>A on transcript NM_025132.4 (MANE Select); coding-DNA position 43, G replaced by A.
Protein change: p.Ala15Thr; replaces alanine 15 with threonine.
Molecular consequence: missense variant. On other transcripts: 5 prime UTR variant (1).
Genome position (GRCh38, 1-based): chr4:39,185,762, G>A. VCF-style: chr4-39185762-G-A. GRCh37 (hg19) VCF-style: chr4-39187382-G-A.
Other names: c.-322G>A (NM_001317924.2); short protein forms A15T.
Identifiers: ClinVar variation 1400912 (VCV001400912.4), dbSNP rs865806299, ClinGen allele CA95676053.

ClinVar aggregate classification (germline): Uncertain significance (1 of 4 stars; one submission).

Conditions:
Asphyxiating thoracic dystrophy 5 (SRTD5). Also called: SHORT-RIB THORACIC DYSPLASIA 5 WITHOUT POLYDACTYLY; SHORT-RIB THORACIC DYSPLASIA 5 WITH OR WITHOUT POLYDACTYLY. Identifiers: Orphanet 474, MedGen C3280598, MONDO:0013717, OMIM 614376.
Senior-Loken syndrome 8 (SLSN8). Identifiers: Orphanet 3156, MedGen C4225376, MONDO:0014579, OMIM 616307.

Allele frequency attached by ClinVar (database versions not stated): gnomAD 0.00001; gnomAD exomes 0.00002; TOPMed 0.00002.
gnomAD v4.1: 28 of 1,559,200 alleles (0.0018%); highest among the groups gnomAD compares: Non-Finnish European, 0.0023%; no homozygotes.

Submission:

Labcorp Genetics (formerly Invitae), Labcorp
Classification: Uncertain significance for Senior-Loken syndrome 8; Asphyxiating thoracic dystrophy 5. Last evaluated: 2021-10-10. Review status: criteria provided, single submitter. Criteria: Invitae Variant Classification Sherloc (09022015). Collection method: clinical testing. Allele origin: germline.
Comment: In summary, the available evidence is currently insufficient to determine the role of this variant in disease. Therefore, it has been classified as a Variant of Uncertain Significance. Algorithms developed to predict the effect of missense changes on protein structure and function output the following: SIFT: "Tolerated"; PolyPhen-2: "Benign"; Align-GVGD: "Class C0". The threonine amino acid residue is found in multiple mammalian species, which suggests that this missense change does not adversely affect protein function. This variant has not been reported in the literature in individuals affected with WDR19-related conditions. This variant is not present in population databases (ExAC no frequency). This sequence change replaces alanine with threonine at codon 15 of the WDR19 protein (p.Ala15Thr). The alanine residue is weakly conserved and there is a small physicochemical difference between alanine and threonine.